The following is an entry in ClinVar:

ClinVar aggregate classification (germline): Uncertain significance. Review status: criteria provided, multiple submitters, no conflicts (2 of 4 stars). 3 submissions from 3 submitters: Uncertain significance (3). Last evaluated 2025-06-16.

Conditions:
Fanconi anemia complementation group J. Also called: BRIP1-Related Fanconi Anemia. Identifiers: Orphanet 84, MedGen C1836860, MONDO:0012187, OMIM 609054.
Familial cancer of breast. Also called: BREAST CANCER, FAMILIAL; hereditary breast carcinoma; Hereditary breast cancer. Identifiers: Orphanet 227535, MedGen C0346153, MONDO:0016419, OMIM 114480. Disease mechanism: loss of function.

Allele frequency attached by ClinVar (database versions not stated): gnomAD exomes below 0.00001.
gnomAD v4.1: 2 of 1,613,610 alleles (0.00012%); highest among the groups gnomAD compares: Non-Finnish European, 0.00017%; no homozygotes.

Submissions (3):

Labcorp Genetics (formerly Invitae), Labcorp
Classification: Uncertain significance for Familial cancer of breast; Fanconi anemia complementation group J. Last evaluated: 2025-06-16. Review status: criteria provided, single submitter. Criteria: Invitae Variant Classification Sherloc (09022015). Collection method: clinical testing. Allele origin: germline.
Comment: This sequence change replaces arginine, which is basic and polar, with lysine, which is basic and polar, at codon 431 of the BRIP1 protein (p.Arg431Lys). This variant is present in population databases (no rsID available, gnomAD 0.0009%). This missense change has been observed in individual(s) with breast cancer (PMID: 26921362). ClinVar contains an entry for this variant (Variation ID: 530326). Invitae Evidence Modeling of protein sequence and biophysical properties (such as structural, functional, and spatial information, amino acid conservation, physicochemical variation, residue mobility, and thermodynamic stability) indicates that this missense variant is not expected to disrupt BRIP1 protein function with a negative predictive value of 95%. In summary, the available evidence is currently insufficient to determine the role of this variant in disease. Therefore, it has been classified as a Variant of Uncertain Significance.

Baylor Genetics
Classification: Uncertain significance for Familial cancer of breast. Last evaluated: 2023-07-23. Review status: criteria provided, single submitter. Criteria: ACMG Guidelines, 2015. Collection method: clinical testing. Allele origin: unknown.

Department of Pathology and Laboratory Medicine, Sinai Health System
Classification: Uncertain significance for Familial cancer of breast. Last evaluated: 2022-03-08. Review status: criteria provided, single submitter. Criteria: ACMG Guidelines, 2015. Collection method: clinical testing. Allele origin: germline. Affected: yes.

Literature cited by the submitters: PubMed 26921362 (cited by Labcorp Genetics (formerly Invitae), Labcorp and Department of Pathology and Laboratory Medicine, Sinai Health System).

NM_032043.3(BRIP1):c.1292G>A (p.Arg431Lys)

Gene: BRIP1 (BRCA1 interacting DNA helicase 1; minus strand). Cytogenetic location: 17q23.2.
Variant type: single nucleotide variant.
Coding change: c.1292G>A on transcript NM_032043.3 (MANE Select); coding-DNA position 1292, G replaced by A.
Protein change: p.Arg431Lys; replaces arginine 431 with lysine.
Molecular consequence: missense variant.
Genome position (GRCh38, 1-based): chr17:61,799,148, C>T on the plus strand (G>A on the coding strand, the complement: BRIP1 is on the minus strand). VCF-style: chr17-61799148-C-T. GRCh37 (hg19) VCF-style: chr17-59876509-C-T.
Other names: short protein forms R431K.
Identifiers: ClinVar variation 530326 (VCV000530326.11), dbSNP rs1328630889, ClinGen allele CA400483510.